The following is an entry in ClinVar:

NM_000070.3(CAPN3):c.505C>T (p.Arg169Cys)

Gene: CAPN3 (calpain 3; plus strand). Cytogenetic location: 15q15.1.
Variant type: single nucleotide variant.
Coding change: c.505C>T on transcript NM_000070.3 (MANE Select); coding-DNA position 505, C replaced by T.
Protein change: p.Arg169Cys; replaces arginine 169 with cysteine.
Molecular consequence: missense variant.
Genome position (GRCh38, 1-based): chr15:42,387,759, C>T. VCF-style: chr15-42387759-C-T. GRCh37 (hg19) VCF-style: chr15-42679957-C-T.
Other names: c.505C>T, p.Arg169Cys (NM_024344.2, NM_173087.2); short protein forms R169C.
Identifiers: ClinVar variation 536519 (VCV000536519.11), dbSNP rs1349313665, ClinGen allele CA391997756.

ClinVar aggregate classification (germline): Uncertain significance. Review status: criteria provided, multiple submitters, no conflicts (2 of 4 stars). 4 submissions from 4 submitters: Uncertain significance (2). 2 of the submissions do not count toward it. Last evaluated 2023-12-22.

Conditions:
Autosomal recessive limb-girdle muscular dystrophy type 2A (LGMDR1). Also called: Limb-girdle muscular dystrophy, type 2A; MUSCULAR DYSTROPHY, PELVOFEMORAL; Calpainopathy; Muscular dystrophy, limb-girdle, type 2A, Amish; LEYDEN-MOEBIUS MUSCULAR DYSTROPHY. Identifiers: Orphanet 267, MedGen C1869123, MONDO:0009675, OMIM 253600. Disease mechanism: loss of function.

Allele frequency attached by ClinVar (database versions not stated): gnomAD exomes below 0.00001; gnomAD 0.00001; TOPMed 0.00001.
gnomAD v4.1: 17 of 1,614,006 alleles (0.0011%); highest among the groups gnomAD compares: Non-Finnish European, 0.0013%; no homozygotes.

Submissions (4):

Blueprint Genetics
Classification: Uncertain significance. Last evaluated: 2023-12-22. Review status: criteria provided, single submitter. Criteria: ACMG Guidelines, 2015. Collection method: clinical testing. Allele origin: germline.

Labcorp Genetics (formerly Invitae), Labcorp
Classification: Uncertain significance for Autosomal recessive limb-girdle muscular dystrophy type 2A. Last evaluated: 2022-08-02. Review status: criteria provided, single submitter. Criteria: Invitae Variant Classification Sherloc (09022015). Collection method: clinical testing. Allele origin: germline.
Comment: This sequence change replaces arginine, which is basic and polar, with cysteine, which is neutral and slightly polar, at codon 169 of the CAPN3 protein (p.Arg169Cys). This variant is present in population databases (no rsID available, gnomAD 0.006%). This missense change has been observed in individual(s) with clinical features of CAPN3-related conditions (PMID: 22079131). In at least one individual the data is consistent with being in trans (on the opposite chromosome) from a pathogenic variant. ClinVar contains an entry for this variant (Variation ID: 536519). Algorithms developed to predict the effect of missense changes on protein structure and function (SIFT, PolyPhen-2, Align-GVGD) all suggest that this variant is likely to be disruptive. In summary, the available evidence is currently insufficient to determine the role of this variant in disease. Therefore, it has been classified as a Variant of Uncertain Significance.

Natera, Inc.
Classification: Uncertain significance for Limb-girdle muscular dystrophy type 2A. Last evaluated: 2020-08-14. Review status: no assertion criteria provided. Collection method: clinical testing. Allele origin: germline. Not counted in ClinVar's aggregate classification.

Counsyl
Classification: Uncertain significance for Autosomal recessive limb-girdle muscular dystrophy type 2A. Last evaluated: 2017-09-28. Review status: no assertion criteria provided. Collection method: clinical testing. Allele origin: unknown. Not counted in ClinVar's aggregate classification.

Literature cited by the submitters: PubMed 22079131 (cited by Labcorp Genetics (formerly Invitae), Labcorp and Counsyl).